The following is an entry in ClinVar:

ClinVar aggregate classification (germline): Benign/Likely benign. Review status: criteria provided, multiple submitters, no conflicts (2 of 4 stars). 6 submissions from 6 submitters: Benign (4); Likely benign (1). 1 of the submissions does not count toward it. Last evaluated 2026-01-28.

Conditions:
Peroxisome biogenesis disorder 13A (Zellweger). Also called: Peroxisome biogenesis disorder 13A. Identifiers: Orphanet 912, MedGen C3554004, MONDO:0013952, OMIM 614887.
PEX14-related disorder. Also called: PEX14-related condition.
Peroxisome biogenesis disorder, complementation group K (CGK). Identifiers: MedGen C1866257, MONDO:0800365.

Allele frequency attached by ClinVar (database versions not stated): gnomAD 0.00047 and 0.00082; gnomAD exomes 0.00089 and 0.00181; TOPMed 0.00108; ExAC 0.00199; 1000 Genomes Project 30x 0.00328; 1000 Genomes Project 0.00399.
gnomAD v4.1: 1,407 of 1,613,358 alleles (0.087%); highest among the groups gnomAD compares: East Asian, 2.8%; 30 homozygotes.

Submissions (6):

Labcorp Genetics (formerly Invitae), Labcorp
Classification: Benign for Peroxisome biogenesis disorder, complementation group K. Last evaluated: 2026-01-28. Review status: criteria provided, single submitter. Criteria: Invitae Variant Classification Sherloc (09022015). Collection method: clinical testing. Allele origin: germline.

Mayo Clinic Laboratories, Mayo Clinic
Classification: Benign. Last evaluated: 2025-03-13. Review status: criteria provided, single submitter. Criteria: ACMG Guidelines, 2015. Collection method: clinical testing. Allele origin: germline. Observed: 1 variant allele.
Comment: BA1, BS2, BP4, BP7

Fulgent Genetics
Classification: Likely benign for Peroxisome biogenesis disorder 13A (Zellweger). Last evaluated: 2022-04-27. Review status: criteria provided, single submitter. Criteria: ACMG Guidelines, 2015. Collection method: clinical testing. Allele origin: unknown.

Illumina Laboratory Services, Illumina
Classification: Benign for Peroxisome biogenesis disorder 13A (Zellweger). Last evaluated: 2018-01-12. Review status: criteria provided, single submitter. Criteria: ICSL Variant Classification Criteria 13 December 2019. Collection method: clinical testing. Allele origin: germline.
Comment: This variant was observed in the ICSL laboratory as part of a predisposition screen in an ostensibly healthy population. It had not been previously curated by ICSL or reported in the Human Gene Mutation Database (HGMD: prior to June 1st, 2018), and was therefore a candidate for classification through an automated scoring system. Utilizing variant allele frequency, disease prevalence and penetrance estimates, and inheritance mode, an automated score was calculated to assess if this variant is too frequent to cause the disease. Based on the score and internal cut-off values, a variant classified as benign is not then subjected to further curation. The score for this variant resulted in a classification of benign for this disease.

Breakthrough Genomics
Classification: Benign. Review status: criteria provided, single submitter. Criteria: ACMG Guidelines, 2015. Collection method: not provided. Allele origin: germline. Inheritance: Autosomal recessive inheritance. Affected: yes.

PreventionGenetics, part of Exact Sciences
Classification: Likely benign for PEX14-related condition. Last evaluated: 2019-10-17. Review status: no assertion criteria provided. Collection method: clinical testing. Allele origin: germline. Not counted in ClinVar's aggregate classification.
Comment: This variant is classified as likely benign based on ACMG/AMP sequence variant interpretation guidelines (Richards et al. 2015 PMID: 25741868, with internal and published modifications).

NM_004565.3(PEX14):c.78G>A (p.Glu26=)

Gene: PEX14 (peroxisomal biogenesis factor 14; plus strand). Cytogenetic location: 1p36.22.
Variant type: single nucleotide variant.
Coding change: c.78G>A on transcript NM_004565.3 (MANE Select); coding-DNA position 78, G replaced by A.
Protein change: p.Glu26=; no amino-acid change (glutamic acid 26 retained).
Molecular consequence: synonymous variant.
Genome position (GRCh38, 1-based): chr1:10,495,315, G>A. VCF-style: chr1-10495315-G-A. GRCh37 (hg19) VCF-style: chr1-10555372-G-A.
Other names: p.Glu26=.
Identifiers: ClinVar variation 291671 (VCV000291671.20), dbSNP rs144664869, ClinGen allele CA583688.
Genomic context (GRCh38, chr1:10,495,315, plus strand): 5'-TTTCCATTTTTCTCTGCAGCCAAGCTCTACTCCAGGAAGTGAAAATGTGCTGCCTCGAGA[G>A]CCGCTGGTAAGTACCCAAGATATGTGGTATCACTTTCTAGTAATTAAAATGCCACGCGAG-3'
Protein context (NP_004556.1, residues 16-36): TPGSENVLPR[Glu26=]PLIATAVKFL